The following is an entry in ClinVar:

ClinVar aggregate classification (germline): Uncertain significance (1 of 4 stars; one submission).

Conditions:
Autoimmune enteropathy and endocrinopathy - susceptibility to chronic infections syndrome. Also called: Immunodeficiency 31C, autosomal dominant; Immunodeficiency 31C. Identifiers: Orphanet 391487, MedGen C3279990, MONDO:0013599, OMIM 614162.
Immunodeficiency 31B. Also called: IMMUNODEFICIENCY 31B, MYCOBACTERIAL AND VIRAL INFECTIONS, AUTOSOMAL RECESSIVE; STAT1 DEFICIENCY, AUTOSOMAL RECESSIVE. Identifiers: Orphanet 391311, MedGen C3151088, MONDO:0013427, OMIM 613796.
Mendelian susceptibility to mycobacterial diseases due to partial STAT1 deficiency. Also called: IMMUNODEFICIENCY 31A, MYCOBACTERIOSIS, AUTOSOMAL DOMINANT; STAT1 DEFICIENCY, AUTOSOMAL DOMINANT; Immunodeficiency 31a. Identifiers: Orphanet 319595, MedGen C4013950, MONDO:0013956, OMIM 614892.

Submission:

Labcorp Genetics (formerly Invitae), Labcorp
Classification: Uncertain significance for Mendelian susceptibility to mycobacterial diseases due to partial STAT1 deficiency; Immunodeficiency 31B; Autoimmune enteropathy and endocrinopathy - susceptibility to chronic infections syndrome. Last evaluated: 2024-01-31. Review status: criteria provided, single submitter. Criteria: Invitae Variant Classification Sherloc (09022015). Collection method: clinical testing. Allele origin: germline.
Comment: This variant, c.1112_1114del, results in the deletion of 1 amino acid(s) of the STAT1 protein (p.Arg371del), but otherwise preserves the integrity of the reading frame. This variant is not present in population databases (gnomAD no frequency). This variant has not been reported in the literature in individuals affected with STAT1-related conditions. ClinVar contains an entry for this variant (Variation ID: 2034817). Experimental studies and prediction algorithms are not available or were not evaluated, and the functional significance of this variant is currently unknown. In summary, the available evidence is currently insufficient to determine the role of this variant in disease. Therefore, it has been classified as a Variant of Uncertain Significance.

NM_007315.4(STAT1):c.1112_1114del (p.Arg371del)

Gene: STAT1 (signal transducer and activator of transcription 1; minus strand). Cytogenetic location: 2q32.2.
Variant type: Deletion.
Coding change: c.1112_1114del on transcript NM_007315.4 (MANE Select); coding-DNA positions 1112 to 1114, 3 bases deleted (GAA; older notation c.1112_1114delGAA).
Protein change: p.Arg371del; deletes arginine 371.
Molecular consequence: inframe deletion. On other transcripts: intron variant (1).
Genome position (GRCh38, 1-based): chr2:190,987,052-190,987,054, TTC deleted on the plus strand (GAA on the coding strand, the reverse complement: STAT1 is on the minus strand); deleting any 3 consecutive bases within chr2:190,987,052-190,987,055 gives the same sequence; the c. name uses the placement nearest the transcript's 3' end. VCF-style (leftmost placement, unchanged base first): chr2-190987051-TTTC-T. GRCh37 (hg19) VCF-style: chr2-191851777-TTTC-T.
Other names: c.1052_1054del, p.Arg351del (NM_001384880.1); c.1118_1120del, p.Arg373del (NM_001384881.1, NM_001384884.1); c.1112_1114del, p.Arg371del (NM_001384882.1, NM_001384886.1, NM_001384889.1 and 1 more transcripts); c.1013_1015del, p.Arg338del (NM_001384883.1); c.953_955del, p.Arg318del (NM_001384885.1); c.1019_1021del, p.Arg340del (NM_001384887.1); c.1022_1024del, p.Arg341del (NM_001384890.1); c.1148_1150del, p.Arg383del (NM_001384891.1); and 1 more; short protein forms R341del, R338del, R340del, R371del, R318del, R351del, R383del, R373del.
Identifiers: ClinVar variation 2034817 (VCV002034817.4), dbSNP rs2470466283, ClinGen allele CA2580065355.